The following is an entry in ClinVar:

NM_000051.4(ATM):c.3589G>C (p.Val1197Leu)

Gene: ATM (ATM serine/threonine kinase; plus strand). Cytogenetic location: 11q22.3.
Variant type: single nucleotide variant.
Coding change: c.3589G>C on transcript NM_000051.4 (MANE Select); coding-DNA position 3589, G replaced by C.
Protein change: p.Val1197Leu; replaces valine 1197 with leucine.
Molecular consequence: missense variant.
Genome position (GRCh38, 1-based): chr11:108,282,722, G>C. VCF-style: chr11-108282722-G-C. GRCh37 (hg19) VCF-style: chr11-108153449-G-C.
Other names: c.3589G>C, p.Val1197Leu (NM_001351834.2); short protein forms V1197L.
Identifiers: ClinVar variation 245969 (VCV000245969.16), dbSNP rs879254024, ClinGen allele CA10584338.

ClinVar aggregate classification (germline): Uncertain significance. Review status: criteria provided, multiple submitters, no conflicts (2 of 4 stars). 4 submissions from 4 submitters: Uncertain significance (4). Last evaluated 2025-07-29.

Conditions:
Hereditary cancer-predisposing syndrome. Also called: Neoplastic Syndromes, Hereditary; Tumor predisposition; Hereditary neoplastic syndrome; Hereditary Cancer Syndrome. Identifiers: Orphanet 140162, MedGen C0027672, MeSH D009386, MONDO:0015356.
Ataxia-telangiectasia syndrome (AT). Also called: Cerebello-oculocutaneous telangiectasia; Immunodeficiency with ataxia telangiectasia; Ataxia-telangiectasia; Ataxia telangiectasia (A-T); LOUIS-BAR SYNDROME; Ataxia-telangiectasia, complementation group D. Identifiers: Orphanet 100, MedGen C0004135, MONDO:0008840, OMIM 208900.

Allele frequency attached by ClinVar (database versions not stated): gnomAD 0.00001.
gnomAD v4.1: 1 of 1,613,004 alleles (0.000062%); highest among the groups gnomAD compares: Admixed American, 0.0017%; no homozygotes.

Submissions (4):

Labcorp Genetics (formerly Invitae), Labcorp
Classification: Uncertain significance for Ataxia-telangiectasia syndrome. Last evaluated: 2025-07-29. Review status: criteria provided, single submitter. Criteria: Invitae Variant Classification Sherloc (09022015). Collection method: clinical testing. Allele origin: germline.
Comment: This sequence change replaces valine, which is neutral and non-polar, with leucine, which is neutral and non-polar, at codon 1197 of the ATM protein (p.Val1197Leu). This variant is not present in population databases (gnomAD no frequency). This variant has not been reported in the literature in individuals affected with ATM-related conditions. ClinVar contains an entry for this variant (Variation ID: 245969). Invitae Evidence Modeling of protein sequence and biophysical properties (such as structural, functional, and spatial information, amino acid conservation, physicochemical variation, residue mobility, and thermodynamic stability) indicates that this missense variant is not expected to disrupt ATM protein function with a negative predictive value of 95%. In summary, the available evidence is currently insufficient to determine the role of this variant in disease. Therefore, it has been classified as a Variant of Uncertain Significance.

Ambry Genetics
Classification: Uncertain significance for Hereditary cancer-predisposing syndrome. Last evaluated: 2024-05-04. Review status: criteria provided, single submitter. Criteria: Ambry Variant Classification Scheme 2023. Collection method: clinical testing. Allele origin: germline.
Comment: The p.V1197L variant (also known as c.3589G>C), located in coding exon 24 of the ATM gene, results from a G to C substitution at nucleotide position 3589. The valine at codon 1197 is replaced by leucine, an amino acid with highly similar properties. This amino acid position is well conserved in available vertebrate species. In addition, this alteration is predicted to be tolerated by in silico analysis. Since supporting evidence is limited at this time, the clinical significance of this alteration remains unclear.

Color Diagnostics, LLC DBA Color Health
Classification: Uncertain significance for Hereditary cancer-predisposing syndrome. Last evaluated: 2020-08-20. Review status: criteria provided, single submitter. Criteria: ACMG Guidelines, 2015. Collection method: clinical testing. Allele origin: germline.
Comment: This missense variant replaces valine with leucine at codon 1197 of the ATM protein. Computational prediction suggests that this variant may not impact protein structure and function (internally defined REVEL score threshold <= 0.5, PMID: 27666373). To our knowledge, functional studies have not been reported for this variant. This variant has not been reported in individuals affected with hereditary cancer in the literature. This variant has not been identified in the general population by the Genome Aggregation Database (gnomAD). The available evidence is insufficient to determine the role of this variant in disease conclusively. Therefore, this variant is classified as a Variant of Uncertain Significance.

GeneDx
Classification: Uncertain significance. Last evaluated: 2019-10-18. Review status: criteria provided, single submitter. Criteria: GeneDx Variant Classification Process June 2021. Collection method: clinical testing. Allele origin: germline. Affected: yes.
Comment: Not observed in large population cohorts (Lek et al., 2016); Has not been previously published as pathogenic or benign to our knowledge